The following is an entry in ClinVar:

ClinVar aggregate classification (germline): Uncertain significance. Review status: criteria provided, multiple submitters, no conflicts (2 of 4 stars). 3 submissions from 3 submitters: Uncertain significance (3). Last evaluated 2025-10-23.

Conditions:
Deficiency of butyryl-CoA dehydrogenase (ACADSD). Also called: ACADS DEFICIENCY; Short-Chain Acyl-CoA Dehydrogenase Deficiency; SCADH DEFICIENCY; SCAD DEFICIENCY, MILD; ACYL-CoA DEHYDROGENASE, SHORT-CHAIN, DEFICIENCY OF; SCAD Deficiency. Identifiers: Orphanet 26792, MedGen C0342783, MONDO:0008722, OMIM 201470. Disease mechanism: May be benign.

Allele frequency attached by ClinVar (database versions not stated): gnomAD exomes below 0.00001.
gnomAD v4.1: 5 of 1,613,916 alleles (0.00031%); highest among the groups gnomAD compares: East Asian, 0.0022%; no homozygotes.

Submissions (3):

GeneDx
Classification: Uncertain significance. Last evaluated: 2025-10-23. Review status: criteria provided, single submitter. Criteria: GeneDx Variant Classification Process June 2021. Collection method: clinical testing. Allele origin: germline. Affected: yes.
Comment: Not observed at significant frequency in large population cohorts (gnomAD); In silico analysis supports that this missense variant has a deleterious effect on protein structure/function; Has not been previously published as pathogenic or benign to our knowledge

Labcorp Genetics (formerly Invitae), Labcorp
Classification: Uncertain significance for Deficiency of butyryl-CoA dehydrogenase. Last evaluated: 2024-05-20. Review status: criteria provided, single submitter. Criteria: Invitae Variant Classification Sherloc (09022015). Collection method: clinical testing. Allele origin: germline.
Comment: This sequence change replaces leucine, which is neutral and non-polar, with arginine, which is basic and polar, at codon 154 of the ACADS protein (p.Leu154Arg). This variant is present in population databases (no rsID available, gnomAD 0.006%). This variant has not been reported in the literature in individuals affected with ACADS-related conditions. ClinVar contains an entry for this variant (Variation ID: 389937). Advanced modeling of protein sequence and biophysical properties (such as structural, functional, and spatial information, amino acid conservation, physicochemical variation, residue mobility, and thermodynamic stability) has been performed at Invitae for this missense variant, however the output from this modeling did not meet the statistical confidence thresholds required to predict the impact of this variant on ACADS protein function. In summary, the available evidence is currently insufficient to determine the role of this variant in disease. Therefore, it has been classified as a Variant of Uncertain Significance.

Genome-Nilou Lab
Classification: Uncertain significance for Deficiency of butyryl-CoA dehydrogenase. Last evaluated: 2021-11-07. Review status: criteria provided, single submitter. Criteria: ACMG Guidelines, 2015. Collection method: clinical testing. Allele origin: germline. Affected: no.

NM_000017.4(ACADS):c.461T>G (p.Leu154Arg)

Gene: ACADS (acyl-CoA dehydrogenase short chain; plus strand). Cytogenetic location: 12q24.31.
Variant type: single nucleotide variant.
Coding change: c.461T>G on transcript NM_000017.4 (MANE Select); coding-DNA position 461, T replaced by G.
Protein change: p.Leu154Arg; replaces leucine 154 with arginine.
Molecular consequence: missense variant.
Genome position (GRCh38, 1-based): chr12:120,737,456, T>G. VCF-style: chr12-120737456-T-G. GRCh37 (hg19) VCF-style: chr12-121175259-T-G.
Other names: c.461T>G, p.Leu154Arg (NM_001302554.2); short protein forms L154R.
Identifiers: ClinVar variation 389937 (VCV000389937.12), dbSNP rs1057523592, ClinGen allele CA16606378.